The following is an entry in ClinVar:

NM_001378778.1(MPDZ):c.1405G>A (p.Glu469Lys)

Gene: MPDZ (multiple PDZ domain crumbs cell polarity complex component; minus strand). Cytogenetic location: 9p23.
Variant type: single nucleotide variant.
Coding change: c.1405G>A on transcript NM_001378778.1 (MANE Select); coding-DNA position 1405, G replaced by A.
Protein change: p.Glu469Lys; replaces glutamic acid 469 with lysine.
Molecular consequence: missense variant.
Genome position (GRCh38, 1-based): chr9:13,205,985, C>T on the plus strand (G>A on the coding strand, the complement: MPDZ is on the minus strand). VCF-style: chr9-13205985-C-T. GRCh37 (hg19) VCF-style: chr9-13205984-C-T.
Other names: c.1405G>A, p.Glu469Lys (NM_001261406.2, NM_001261407.2, NM_001330637.2 and 14 more transcripts); short protein forms E469K.
Identifiers: ClinVar variation 1948307 (VCV001948307.2), dbSNP rs747753224, ClinGen allele CA4987789.

ClinVar aggregate classification (germline): Uncertain significance (1 of 4 stars; one submission).

Allele frequency attached by ClinVar (database versions not stated): gnomAD 0.00001; TOPMed 0.00001; ExAC 0.00002; gnomAD exomes 0.00007.
gnomAD v4.1: 94 of 1,611,896 alleles (0.0058%); highest among the groups gnomAD compares: Middle Eastern, 0.049%; no homozygotes.

Submission:

Labcorp Genetics (formerly Invitae), Labcorp
Classification: Uncertain significance. Last evaluated: 2022-04-08. Review status: criteria provided, single submitter. Criteria: Invitae Variant Classification Sherloc (09022015). Collection method: clinical testing. Allele origin: germline.
Comment: This sequence change replaces glutamic acid, which is acidic and polar, with lysine, which is basic and polar, at codon 469 of the MPDZ protein (p.Glu469Lys). This variant is present in population databases (rs747753224, gnomAD 0.004%). This variant has not been reported in the literature in individuals affected with MPDZ-related conditions. Algorithms developed to predict the effect of missense changes on protein structure and function are either unavailable or do not agree on the potential impact of this missense change (SIFT: "Deleterious"; PolyPhen-2: "Benign"; Align-GVGD: "Class C15"). In summary, the available evidence is currently insufficient to determine the role of this variant in disease. Therefore, it has been classified as a Variant of Uncertain Significance.